The following is an entry in ClinVar:

ClinVar aggregate classification (germline): Benign. Review status: criteria provided, multiple submitters, no conflicts (2 of 4 stars). 7 submissions from 7 submitters: Benign (7). Last evaluated 2026-02-04.

Conditions:
Nephronophthisis. Also called: Juvenile Nephronophthisis. Identifiers: Orphanet 655, MedGen C0687120, MONDO:0019005, HP:0000090.
Nephronophthisis 7 (NPHP7). Identifiers: Orphanet 655, MedGen C1969092, MONDO:0012680, OMIM 611498.
Kidney disorder. Also called: Nephropathy; Kidney disease; Kidney Diseases; renal disorder; renal disease. Identifiers: MedGen C0022658, MONDO:0005240, HP:0000112.

Allele frequency attached by ClinVar (database versions not stated): 1000 Genomes Project 30x 0.00484; 1000 Genomes Project 0.00559; TOPMed 0.01311; gnomAD 0.01773 and 0.01854; ESP Exome Variant Server 0.01825; gnomAD exomes 0.01860 and 0.02405; ExAC 0.01889.
gnomAD v4.1: 37,417 of 1,613,012 alleles (2.3%); highest among the groups gnomAD compares: Non-Finnish European, 2.7%; 536 homozygotes.

Submissions (7):

Labcorp Genetics (formerly Invitae), Labcorp
Classification: Benign for Nephronophthisis. Last evaluated: 2026-02-04. Review status: criteria provided, single submitter. Criteria: Invitae Variant Classification Sherloc (09022015). Collection method: clinical testing. Allele origin: germline.

Mayo Clinic Laboratories, Mayo Clinic
Classification: Benign. Last evaluated: 2022-10-17. Review status: criteria provided, single submitter. Criteria: ACMG Guidelines, 2015. Collection method: clinical testing. Allele origin: germline. Observed: 9 variant alleles.

GeneDx
Classification: Benign. Last evaluated: 2018-07-05. Review status: criteria provided, single submitter. Criteria: GeneDx Variant Classification Process June 2021. Collection method: clinical testing. Allele origin: germline. Affected: yes.

Illumina Laboratory Services, Illumina
Classification: Benign for Nephronophthisis 7. Last evaluated: 2018-01-12. Review status: criteria provided, single submitter. Criteria: ICSL Variant Classification Criteria 13 December 2019. Collection method: clinical testing. Allele origin: germline.
Comment: This variant was observed in the ICSL laboratory as part of a predisposition screen in an ostensibly healthy population. It had not been previously curated by ICSL or reported in the Human Gene Mutation Database (HGMD: prior to June 1st, 2018), and was therefore a candidate for classification through an automated scoring system. Utilizing variant allele frequency, disease prevalence and penetrance estimates, and inheritance mode, an automated score was calculated to assess if this variant is too frequent to cause the disease. Based on the score and internal cut-off values, a variant classified as benign is not then subjected to further curation. The score for this variant resulted in a classification of benign for this disease.

Genome Diagnostics Laboratory, The Hospital for Sick Children
Classification: Benign for Kidney disorder. Last evaluated: 2016-12-12. Review status: criteria provided, single submitter. Criteria: ACMG Guidelines, 2015. Collection method: clinical testing. Allele origin: germline.

Breakthrough Genomics
Classification: Benign. Review status: criteria provided, single submitter. Criteria: ACMG Guidelines, 2015. Collection method: not provided. Allele origin: germline. Inheritance: Unknown mechanism. Affected: yes.

PreventionGenetics, part of Exact Sciences
Classification: Benign. Review status: criteria provided, single submitter. Criteria: ACMG Guidelines, 2015. Collection method: clinical testing. Allele origin: germline.

NM_032575.3(GLIS2):c.223G>T (p.Ala75Ser)

Gene: GLIS2 (GLIS family zinc finger 2; plus strand). Cytogenetic location: 16p13.3.
Variant type: single nucleotide variant.
Coding change: c.223G>T on transcript NM_032575.3 (MANE Select); coding-DNA position 223, G replaced by T.
Protein change: p.Ala75Ser; replaces alanine 75 with serine.
Molecular consequence: missense variant.
Genome position (GRCh38, 1-based): chr16:4,333,397, G>T. VCF-style: chr16-4333397-G-T. GRCh37 (hg19) VCF-style: chr16-4383398-G-T.
Other names: p.Ala75Ser; c.223G>T, p.Ala75Ser (NM_001318918.2); short protein forms A75S.
Identifiers: ClinVar variation 262085 (VCV000262085.23), dbSNP rs72766563, ClinGen allele CA7872945.
Genomic context (GRCh38, chr16:4,333,397, plus strand): 5'-TCTCCCTCAGGCTTCCTGCTGAACTCCAAGTTCCCCGAGAAGGTGGAGGGACGCTTTTCA[G>T]CAGCCCCTCTCGTGGACCTCAGCCTGTCACCACCATCTGGGCTGGACTCCCCCAATGGCA-3'
Protein context (NP_115964.2, residues 65-85): FPEKVEGRFS[Ala75Ser]APLVDLSLSP